The following is an entry in ClinVar:

ClinVar aggregate classification (germline): Uncertain significance. Review status: criteria provided, single submitter (1 of 4 stars). 2 submissions from 2 submitters: Uncertain significance (1). 1 of the submissions does not count toward it. Last evaluated 2025-08-02.

Conditions:
Congenital myopathy with internal nuclei and atypical cores. Also called: Myopathy, centronuclear, 4. Identifiers: Orphanet 319160, MedGen C4707232, MONDO:0013890, OMIM 614807.

Allele frequency attached by ClinVar (database versions not stated): gnomAD exomes 0.00003 and 0.00004; ExAC 0.00004; ESP Exome Variant Server 0.00008; TOPMed 0.00009; gnomAD 0.00010 and 0.00011.

Submissions (2):

Labcorp Genetics (formerly Invitae), Labcorp
Classification: Uncertain significance for Congenital myopathy with internal nuclei and atypical cores. Last evaluated: 2025-08-02. Review status: criteria provided, single submitter. Criteria: Invitae Variant Classification Sherloc (09022015). Collection method: clinical testing. Allele origin: germline.
Comment: This sequence change replaces arginine, which is basic and polar, with tryptophan, which is neutral and slightly polar, at codon 271 of the CCDC78 protein (p.Arg271Trp). This variant is present in population databases (rs200865845, gnomAD 0.04%), and has an allele count higher than expected for a pathogenic variant. This variant has not been reported in the literature in individuals affected with CCDC78-related conditions. ClinVar contains an entry for this variant (Variation ID: 800966). Invitae Evidence Modeling of protein sequence and biophysical properties (such as structural, functional, and spatial information, amino acid conservation, physicochemical variation, residue mobility, and thermodynamic stability) indicates that this missense variant is not expected to disrupt CCDC78 protein function with a negative predictive value of 80%. In summary, the available evidence is currently insufficient to determine the role of this variant in disease. Therefore, it has been classified as a Variant of Uncertain Significance.

Biochemical Molecular Genetic Laboratory, King Abdulaziz Medical City
Classification: Likely pathogenic for Congenital myopathy with internal nuclei and atypical cores. Last evaluated: 2019-09-26. Review status: no assertion criteria provided. Collection method: clinical testing. Allele origin: germline. Affected: yes. Not counted in ClinVar's aggregate classification.

NM_001378030.1(CCDC78):c.811C>T (p.Arg271Trp)

Gene: CCDC78 (coiled-coil domain containing 78; minus strand). Cytogenetic location: 16p13.3.
Variant type: single nucleotide variant.
Coding change: c.811C>T on transcript NM_001378030.1 (MANE Select); coding-DNA position 811, C replaced by T.
Protein change: p.Arg271Trp; replaces arginine 271 with tryptophan.
Molecular consequence: missense variant. On other transcripts: non-coding transcript variant (5).
Genome position (GRCh38, 1-based): chr16:724,464, G>A on the plus strand (C>T on the coding strand, the complement: CCDC78 is on the minus strand). VCF-style: chr16-724464-G-A. GRCh37 (hg19) VCF-style: chr16-774464-G-A.
Other names: c.811C>T, p.Arg271Trp (NM_001031737.3, NM_001378031.1); c.244C>T, p.Arg82Trp (NM_001378033.1); short protein forms R271W, R82W.
Identifiers: ClinVar variation 800966 (VCV000800966.8), dbSNP rs200865845, ClinGen allele CA7789391.
Genomic context (GRCh38, chr16:724,464, plus strand): 5'-GCTGCTCACGGCTGCGGTGCGCTGCCCGGATGTCCTCCAGAGTCGCCTCCAGGAATGTCC[G>A]GAGGGCCGTGGTGGCTGGCGCTTGGCCTGCACCATCTGCGTGCTCCTGGAGGCGGCGGGC-3'
Protein context (NP_001364959.1, residues 261-281): AGQAPATTAL[Arg271Trp]TFLEATLEDI